The following is an entry in ClinVar:

NM_000173.7(GP1BA):c.554A>T (p.Asn185Ile)

Gene: GP1BA (glycoprotein Ib platelet subunit alpha; plus strand). Cytogenetic location: 17p13.2.
Variant type: single nucleotide variant.
Coding change: c.554A>T on transcript NM_000173.7 (MANE Select); coding-DNA position 554, A replaced by T.
Protein change: p.Asn185Ile; replaces asparagine 185 with isoleucine.
Molecular consequence: missense variant.
Genome position (GRCh38, 1-based): chr17:4,933,158, A>T. VCF-style: chr17-4933158-A-T. GRCh37 (hg19) VCF-style: chr17-4836453-A-T.
Other names: short protein forms N185I.
Identifiers: ClinVar variation 4987445 (VCV004987445.1).

ClinVar aggregate classification (germline): Uncertain significance (1 of 4 stars; one submission).

Conditions:
GP1BA-related disorder. Also called: GP1BA-related condition.

Submission:

PreventionGenetics, part of Exact Sciences
Classification: Uncertain significance for GP1BA-related condition. Last evaluated: 2024-11-13. Review status: criteria provided, single submitter. Criteria: ACMG Guidelines, 2015. Collection method: clinical testing. Allele origin: germline.
Comment: The GP1BA c.554A>T variant is predicted to result in the amino acid substitution p.Asn185Ile. To our knowledge, this variant has not been reported in the literature. This variant is reported in 0.013% of alleles in individuals of African descent in gnomAD. At this time, the clinical significance of this variant is uncertain due to the absence of conclusive functional and genetic evidence.